The following is an entry in ClinVar:

NM_000426.4(LAMA2):c.8835C>G (p.Asp2945Glu)

Gene: LAMA2 (laminin subunit alpha 2; plus strand). Cytogenetic location: 6q22.33.
Variant type: single nucleotide variant.
Coding change: c.8835C>G on transcript NM_000426.4 (MANE Select); coding-DNA position 8835, C replaced by G.
Protein change: p.Asp2945Glu; replaces aspartic acid 2945 with glutamic acid.
Molecular consequence: missense variant.
Genome position (GRCh38, 1-based): chr6:129,507,620, C>G. VCF-style: chr6-129507620-C-G. GRCh37 (hg19) VCF-style: chr6-129828765-C-G.
Other names: c.8823C>G, p.Asp2941Glu (NM_001079823.2); short protein forms D2941E, D2945E.
Identifiers: ClinVar variation 2201509 (VCV002201509.1), dbSNP rs377520412, ClinGen allele CA365635721.
Genomic context (GRCh38, chr6:129,507,620, plus strand): 5'-CACCTCCAGCTTCCATGTTGGGACATGTTTTGCAAATGCTCAGAGGGGAACATATTTTGA[C>G]GGAACCGGTTTTGCCAAAGCAGGTAAGGCTCTTTCATTTCCTTCCTGTTGATTATTAACT-3'
Protein context (NP_000417.3, residues 2935-2955): FANAQRGTYF[Asp2945Glu]GTGFAKAVGG

ClinVar aggregate classification (germline): Uncertain significance (1 of 4 stars; one submission).

Conditions:
LAMA2-related muscular dystrophy (LAMA2-RD). Also called: Laminin alpha 2-related dystrophy. Identifiers: MedGen C5679788, MONDO:0100228.

gnomAD v4.1: 1 of 1,614,130 alleles (0.000062%); no homozygotes.

Submission:

Labcorp Genetics (formerly Invitae), Labcorp
Classification: Uncertain significance for LAMA2-related muscular dystrophy. Last evaluated: 2021-12-14. Review status: criteria provided, single submitter. Criteria: Invitae Variant Classification Sherloc (09022015). Collection method: clinical testing. Allele origin: germline.
Comment: This sequence change replaces aspartic acid, which is acidic and polar, with glutamic acid, which is acidic and polar, at codon 2945 of the LAMA2 protein (p.Asp2945Glu). This variant is not present in population databases (gnomAD no frequency). This variant has not been reported in the literature in individuals affected with LAMA2-related conditions. Advanced modeling of protein sequence and biophysical properties (such as structural, functional, and spatial information, amino acid conservation, physicochemical variation, residue mobility, and thermodynamic stability) performed at Invitae indicates that this missense variant is not expected to disrupt LAMA2 protein function. In summary, the available evidence is currently insufficient to determine the role of this variant in disease. Therefore, it has been classified as a Variant of Uncertain Significance.